The following is an entry in ClinVar:

NM_001006630.2(CHRM2):c.47G>A (p.Ser16Asn)

Genes: CHRM2 (cholinergic receptor muscarinic 2; plus strand), LOC349160 (uncharacterized LOC349160; minus strand). Cytogenetic location: 7q33.
Variant type: single nucleotide variant.
Coding change: c.47G>A on transcript NM_001006630.2 (MANE Select); coding-DNA position 47, G replaced by A.
Protein change: p.Ser16Asn; replaces serine 16 with asparagine.
Molecular consequence: missense variant.
Genome position (GRCh38, 1-based): chr7:137,014,912, G>A. VCF-style: chr7-137014912-G-A. GRCh37 (hg19) VCF-style: chr7-136699659-G-A.
Other names: c.47G>A, p.Ser16Asn (NM_000739.3, NM_001006626.3, NM_001006627.3 and 6 more transcripts); short protein forms S16N.
Identifiers: ClinVar variation 452042 (VCV000452042.2), dbSNP rs771580504, ClinGen allele CA4500491.

ClinVar aggregate classification (germline): Uncertain significance (1 of 4 stars; one submission).

Allele frequency attached by ClinVar (database versions not stated): gnomAD exomes below 0.00001; ExAC 0.00001.
gnomAD v4.1: 4 of 1,613,124 alleles (0.00025%); highest among the groups gnomAD compares: Non-Finnish European, 0.00025%; no homozygotes.

Submission:

GeneDx
Classification: Uncertain significance. Last evaluated: 2017-09-13. Review status: criteria provided, single submitter. Criteria: GeneDx Variant Classification (06012015). Collection method: clinical testing. Allele origin: germline. Affected: yes.
Comment: A variant of uncertain significance has been identified in the CHRM2 gene. The S16N variant has not been published as pathogenic or been reported as benign to our knowledge. This variant is not observed at a significant frequency in large population cohorts (Lek et al., 2016; 1000 Genomes Consortium et al., 2015; Exome Variant Server). This substitution occurs at a position that is conserved across species. In silico analysis suggests that this variant is probably damaging to the protein structure/function. However, the S16N variant is a conservative amino acid substitution, which is not likely to impact secondary protein structure as these residues share similar properties.